The following is an entry in ClinVar:

ClinVar aggregate classification (germline): Conflicting classifications of pathogenicity. Review status: criteria provided, conflicting classifications (1 of 4 stars). 2 submissions from 2 submitters: Uncertain significance (1); Likely benign (1). Last evaluated 2022-10-13.

Allele frequency attached by ClinVar (database versions not stated): gnomAD 0.00001; gnomAD exomes 0.00007.
gnomAD v4.1: 18 of 1,369,910 alleles (0.0013%); highest among the groups gnomAD compares: Admixed American, 0.0037%; no homozygotes.

Submissions (2):

Labcorp Genetics (formerly Invitae), Labcorp
Classification: Likely benign. Last evaluated: 2022-10-13. Review status: criteria provided, single submitter. Criteria: Invitae Variant Classification Sherloc (09022015). Collection method: clinical testing. Allele origin: germline.

GeneDx
Classification: Uncertain significance. Last evaluated: 2016-03-30. Review status: criteria provided, single submitter. Criteria: GeneDx Variant Classification (06012015). Collection method: clinical testing. Allele origin: germline. Affected: yes.
Comment: The G324A variant in the ARID1B gene has not been reported previously as a pathogenic variant, nor as a benign variant, to our knowledge. The G324A variant was not observed in approximately 2700 individuals of European and African American ancestry in the NHLBI Exome Sequencing Project, indicating it is not a common benign variant in these populations. The G324A variant is a conservative amino acid substitution, which is not likely to impact secondary protein structure as these residues share similar properties. In silico analysis is inconsistent in its predictions as to whether or not the variant is damaging to the protein structure/function. We interpret G324A as a variant of uncertain significance.

NM_001374828.1(ARID1B):c.1220G>C (p.Gly407Ala)

Gene: ARID1B (AT-rich interaction domain 1B; plus strand). Cytogenetic location: 6q25.3.
Variant type: single nucleotide variant.
Coding change: c.1220G>C on transcript NM_001374828.1 (MANE Select); coding-DNA position 1220, G replaced by C.
Protein change: p.Gly407Ala; replaces glycine 407 with alanine.
Molecular consequence: missense variant.
Genome position (GRCh38, 1-based): chr6:156,778,900, G>C. VCF-style: chr6-156778900-G-C. GRCh37 (hg19) VCF-style: chr6-157100034-G-C.
Other names: c.971G>C, p.Gly324Ala (NM_020732.3); c.1220G>C, p.Gly407Ala (NM_001371656.1, NM_001374820.1, NM_017519.3); short protein forms G324A, G407A.
Identifiers: ClinVar variation 385303 (VCV000385303.10), dbSNP rs1057522183, ClinGen allele CA16605485.